The following is an entry in ClinVar:

ClinVar aggregate classification (germline): Benign/Likely benign. Review status: criteria provided, multiple submitters, no conflicts (2 of 4 stars). 2 submissions from 2 submitters: Benign (1); Likely benign (1). Last evaluated 2024-03-22.

Conditions:
Familial adenomatous polyposis 1 (FAP1). Also called: FAMILIAL ADENOMATOUS POLYPOSIS 1, ATTENUATED; POLYPOSIS, ADENOMATOUS INTESTINAL. Identifiers: MedGen C2713442, MONDO:0021056, OMIM 175100. Disease mechanism: loss of function.

Submissions (2):

Myriad Genetics, Inc.
Classification: Benign for Familial adenomatous polyposis 1. Last evaluated: 2024-03-22. Review status: criteria provided, single submitter. Criteria: Myriad Autosomal Dominant, Autosomal Recessive and X-Linked Classification Criteria (2023). Collection method: clinical testing. Allele origin: unknown.
Comment: This variant is considered benign. This variant is a silent/synonymous amino acid change and it is not expected to impact splicing.

Labcorp Genetics (formerly Invitae), Labcorp
Classification: Likely benign for Familial adenomatous polyposis 1. Last evaluated: 2024-03-13. Review status: criteria provided, single submitter. Criteria: Invitae Variant Classification Sherloc (09022015). Collection method: clinical testing. Allele origin: germline.

NM_000038.6(APC):c.3873G>A (p.Gln1291=)

Gene: APC (APC regulator of Wnt signaling pathway; plus strand). Cytogenetic location: 5q22.2.
Variant type: single nucleotide variant.
Coding change: c.3873G>A on transcript NM_000038.6 (MANE Select); coding-DNA position 3873, G replaced by A.
Protein change: p.Gln1291=; no amino-acid change (glutamine 1291 retained).
Molecular consequence: synonymous variant.
Genome position (GRCh38, 1-based): chr5:112,839,467, G>A. VCF-style: chr5-112839467-G-A. GRCh37 (hg19) VCF-style: chr5-112175164-G-A.
Other names: c.3873G>A, p.Gln1291= (NM_001127510.3, NM_001354895.2); c.3819G>A, p.Gln1273= (NM_001127511.3); c.3927G>A, p.Gln1309= (NM_001354896.2); c.3903G>A, p.Gln1301= (NM_001354897.2); c.3798G>A, p.Gln1266= (NM_001354898.2); c.3789G>A, p.Gln1263= (NM_001354899.2); c.3750G>A, p.Gln1250= (NM_001354900.2); c.3696G>A, p.Gln1232= (NM_001354901.2); and 5 more.
Identifiers: ClinVar variation 1145725 (VCV001145725.11), dbSNP rs2149900974, ClinGen allele CA445963760.